The following is an entry in ClinVar:

NM_000053.4(ATP7B):c.235A>C (p.Arg79=)

Gene: ATP7B (ATPase copper transporting beta; minus strand). Cytogenetic location: 13q14.3.
Variant type: single nucleotide variant.
Coding change: c.235A>C on transcript NM_000053.4 (MANE Select); coding-DNA position 235, A replaced by C.
Protein change: p.Arg79=; no amino-acid change (arginine 79 retained).
Molecular consequence: synonymous variant.
Genome position (GRCh38, 1-based): chr13:51,974,985, T>G on the plus strand (A>C on the coding strand, the complement: ATP7B is on the minus strand). VCF-style: chr13-51974985-T-G. GRCh37 (hg19) VCF-style: chr13-52549121-T-G.
Other names: c.235A>C, p.Arg79= (NM_001005918.3, NM_001243182.2, NM_001330578.2 and 30 more transcripts); c.139A>C, p.Arg47= (NM_001406517.1, NM_001406518.1, NM_001406530.1 and 4 more transcripts).
Identifiers: ClinVar variation 1926165 (VCV001926165.6), dbSNP rs2547824726, ClinGen allele CA484025051.

ClinVar aggregate classification (germline): Conflicting classifications of pathogenicity. Review status: criteria provided, conflicting classifications (1 of 4 stars). 3 submissions from 3 submitters: Uncertain significance (2); Likely benign (1). Last evaluated 2023-08-15.

Conditions:
Wilson disease (WND). Also called: Wilson's disease. Identifiers: Orphanet 905, MedGen C0019202, MONDO:0010200, OMIM 277900. Disease mechanism: loss of function.

Submissions (3):

All of Us Research Program, National Institutes of Health
Classification: Uncertain significance for Wilson disease. Last evaluated: 2023-08-15. Review status: criteria provided, single submitter. Criteria: ACMG Guidelines, 2015. Collection method: clinical testing. Allele origin: germline. Inheritance: Autosomal recessive inheritance. Observed: 1 variant allele, 1 heterozygote.
Comment: This variant is located in the ATP7B protein. To our knowledge, functional studies have not been reported for this variant. This variant has not been reported in individuals affected with ATP7B-related disorders in the literature. This variant has not been identified in the general population by the Genome Aggregation Database (gnomAD). The available evidence is insufficient to determine the role of this variant in disease conclusively. Therefore, this variant is classified as a Variant of Uncertain Significance.

This study involves interpretation of variants in research participants for the purpose of population health screening. Participant phenotype was not available at the time of variant classification. Additional details can be found in publication PMID: 35346344, PMCID: PMC8962531

Color Diagnostics, LLC DBA Color Health
Classification: Uncertain significance for Wilson disease. Last evaluated: 2023-08-02. Review status: criteria provided, single submitter. Criteria: ACMG Guidelines, 2015. Collection method: clinical testing. Allele origin: germline.
Comment: This variant is located in the ATP7B protein. To our knowledge, functional studies have not been reported for this variant. This variant has not been reported in individuals affected with ATP7B-related disorders in the literature. This variant has not been identified in the general population by the Genome Aggregation Database (gnomAD). The available evidence is insufficient to determine the role of this variant in disease conclusively. Therefore, this variant is classified as a Variant of Uncertain Significance.

Labcorp Genetics (formerly Invitae), Labcorp
Classification: Likely benign for Wilson disease. Last evaluated: 2023-07-16. Review status: criteria provided, single submitter. Criteria: Invitae Variant Classification Sherloc (09022015). Collection method: clinical testing. Allele origin: germline.